The following is an entry in ClinVar:

NM_000093.5(COL5A1):c.4866T>G (p.Ile1622Met)

Genes: COL5A1 (collagen type V alpha 1 chain; plus strand), LOC101448202 (uncharacterized LOC101448202; minus strand). Cytogenetic location: 9q34.3.
Variant type: single nucleotide variant.
Coding change: c.4866T>G on transcript NM_000093.5 (MANE Select); coding-DNA position 4866, T replaced by G.
Protein change: p.Ile1622Met; replaces isoleucine 1622 with methionine.
Molecular consequence: missense variant.
Genome position (GRCh38, 1-based): chr9:134,824,767, T>G. VCF-style: chr9-134824767-T-G. GRCh37 (hg19) VCF-style: chr9-137716613-T-G.
Other names: c.4866T>G, p.Ile1622Met (NM_001278074.1); short protein forms I1622M.
Identifiers: ClinVar variation 4747716 (VCV004747716.1).

ClinVar aggregate classification (germline): Uncertain significance (1 of 4 stars; one submission).

Conditions:
Ehlers-Danlos syndrome, classic type, 1 (EDSCL1). Also called: EHLERS-DANLOS SYNDROME, GRAVIS TYPE; EHLERS-DANLOS SYNDROME, SEVERE CLASSIC TYPE; Ehlers-Danlos syndrome, type 1; Ehlers-Danlos Syndrome, Classic Type, COL5A1-Related; EDS I. Identifiers: MedGen C0268335, MONDO:0019567, OMIM 130000.

gnomAD v4.1: 2 of 1,614,144 alleles (0.00012%); highest among the groups gnomAD compares: East Asian, 0.0045%; no homozygotes.

Submission:

Labcorp Genetics (formerly Invitae), Labcorp
Classification: Uncertain significance for Ehlers-Danlos syndrome, classic type, 1. Last evaluated: 2025-12-24. Review status: criteria provided, single submitter. Criteria: Invitae Variant Classification Sherloc (09022015). Collection method: clinical testing. Allele origin: germline.
Comment: This sequence change replaces isoleucine, which is neutral and non-polar, with methionine, which is neutral and non-polar, at codon 1622 of the COL5A1 protein (p.Ile1622Met). This variant is not present in population databases (gnomAD no frequency). This variant has not been reported in the literature in individuals affected with COL5A1-related conditions. Invitae Evidence Modeling of protein sequence and biophysical properties (such as structural, functional, and spatial information, amino acid conservation, physicochemical variation, residue mobility, and thermodynamic stability) indicates that this missense variant is not expected to disrupt COL5A1 protein function with a negative predictive value of 95%. In summary, the available evidence is currently insufficient to determine the role of this variant in disease. Therefore, it has been classified as a Variant of Uncertain Significance.